The following is an entry in ClinVar:

NM_004006.3(DMD):c.6046C>T (p.Gln2016Ter)

Gene: DMD (dystrophin; minus strand). Cytogenetic location: Xp21.1.
Variant type: single nucleotide variant.
Coding change: c.6046C>T on transcript NM_004006.3 (MANE Select); coding-DNA position 6046, C replaced by T.
Protein change: p.Gln2016Ter; replaces glutamine 2016 with a stop codon.
Molecular consequence: nonsense.
Genome position (GRCh38, 1-based): chrX:32,310,153, G>A on the plus strand (C>T on the coding strand, the complement: DMD is on the minus strand). VCF-style: chrX-32310153-G-A. GRCh37 (hg19) VCF-style: chrX-32328270-G-A.
Other names: c.6022C>T, p.Gln2008Ter (NM_000109.4); c.6034C>T, p.Gln2012Ter (NM_004009.3); c.5677C>T, p.Gln1893Ter (NM_004010.3); c.2023C>T, p.Gln675Ter (NM_004011.4); c.2014C>T, p.Gln672Ter (NM_004012.4); short protein forms Q2008*, Q1893*, Q2012*, Q2016*, Q672*, Q675*.
Identifiers: ClinVar variation 2012249 (VCV002012249.4), dbSNP rs2520268054, ClinGen allele CA412669706.

ClinVar aggregate classification (germline): Pathogenic (1 of 4 stars; one submission).

Conditions:
Duchenne muscular dystrophy (DMD). Also called: MUSCULAR DYSTROPHY, PSEUDOHYPERTROPHIC PROGRESSIVE, DUCHENNE TYPE; Duchenne Muscular Dystrophy (DMD). Identifiers: Orphanet 98896, MedGen C0013264, MONDO:0010679, OMIM 310200.

Submission:

Labcorp Genetics (formerly Invitae), Labcorp
Classification: Pathogenic for Duchenne muscular dystrophy. Last evaluated: 2022-06-29. Review status: criteria provided, single submitter. Criteria: Invitae Variant Classification Sherloc (09022015). Collection method: clinical testing. Allele origin: germline.
Comment: For these reasons, this variant has been classified as Pathogenic. This sequence change creates a premature translational stop signal (p.Gln2016*) in the DMD gene. It is expected to result in an absent or disrupted protein product. Loss-of-function variants in DMD are known to be pathogenic (PMID: 16770791, 25007885). This variant is not present in population databases (gnomAD no frequency). This variant has not been reported in the literature in individuals affected with DMD-related conditions.

Literature cited by the submitters: PubMed 16770791; PubMed 25007885.